The following is an entry in ClinVar:

ClinVar aggregate classification (germline): Pathogenic (1 of 4 stars; one submission).

Submission:

CeGaT Center for Human Genetics Tuebingen
Classification: Pathogenic. Last evaluated: 2022-12-01. Review status: criteria provided, single submitter. Criteria: CeGaT Center For Human Genetics Tuebingen Variant Classification Criteria Version 2. Collection method: clinical testing. Allele origin: germline. Affected: yes. Observed: 1 variant allele.
Comment: CUL4B: PVS1, PM2

NM_001079872.2(CUL4B):c.2176C>T (p.Gln726Ter)

Gene: CUL4B (cullin 4B; minus strand). Cytogenetic location: Xq24.
Variant type: single nucleotide variant.
Coding change: c.2176C>T on transcript NM_001079872.2 (MANE Select); coding-DNA position 2176, C replaced by T.
Protein change: p.Gln726Ter; replaces glutamine 726 with a stop codon.
Molecular consequence: nonsense.
Genome position (GRCh38, 1-based): chrX:120,534,571, G>A on the plus strand (C>T on the coding strand, the complement: CUL4B is on the minus strand). VCF-style: chrX-120534571-G-A. GRCh37 (hg19) VCF-style: chrX-119668426-G-A.
Other names: c.2191C>T, p.Gln731Ter (NM_001330624.2); c.1642C>T, p.Gln548Ter (NM_001369145.1); c.2230C>T, p.Gln744Ter (NM_003588.4); short protein forms Q548*, Q726*, Q731*, Q744*.
Identifiers: ClinVar variation 1879772 (VCV001879772.29), dbSNP rs2521066981, ClinGen allele CA414194578.
Genomic context (GRCh38, chrX:120,534,571, plus strand): 5'-AACTGAACTCCTCTCCCTCATTAAACATTAGCAGCACCAGTGTTTGAAAAAGAGAGACCT[G>A]GAGTTCCTTTTTACCCTGTTGAAGAAATAAAAGTGTTTAGTCATCACTTTTTTAAAAACA-3'